The following is an entry in ClinVar:

NM_003846.3(PEX11B):c.41G>A (p.Arg14Gln)

Gene: PEX11B (peroxisomal biogenesis factor 11 beta; minus strand). Cytogenetic location: 1q21.1.
Variant type: single nucleotide variant.
Coding change: c.41G>A on transcript NM_003846.3 (MANE Select); coding-DNA position 41, G replaced by A.
Protein change: p.Arg14Gln; replaces arginine 14 with glutamine.
Molecular consequence: missense variant. On other transcripts: non-coding transcript variant (2).
Genome position (GRCh38, 1-based): chr1:145,918,648, C>T on the plus strand (G>A on the coding strand, the complement: PEX11B is on the minus strand). VCF-style: chr1-145918648-C-T. GRCh37 (hg19) VCF-style: chr1-145516441-G-A.
Other names: short protein forms R14Q.
Identifiers: ClinVar variation 597943 (VCV000597943.7), dbSNP rs1381071225, ClinGen allele CA342125221.

ClinVar aggregate classification (germline): Uncertain significance. Review status: criteria provided, multiple submitters, no conflicts (2 of 4 stars). 3 submissions from 3 submitters: Uncertain significance (3). Last evaluated 2022-07-19.

Allele frequency attached by ClinVar (database versions not stated): gnomAD 0.00001; TOPMed 0.00001.

Submissions (3):

Labcorp Genetics (formerly Invitae), Labcorp
Classification: Uncertain significance. Last evaluated: 2022-07-19. Review status: criteria provided, single submitter. Criteria: Invitae Variant Classification Sherloc (09022015). Collection method: clinical testing. Allele origin: germline.
Comment: This sequence change replaces arginine, which is basic and polar, with glutamine, which is neutral and polar, at codon 14 of the PEX11B protein (p.Arg14Gln). This variant is not present in population databases (gnomAD no frequency). This variant has not been reported in the literature in individuals affected with PEX11B-related conditions. ClinVar contains an entry for this variant (Variation ID: 597943). Algorithms developed to predict the effect of missense changes on protein structure and function are either unavailable or do not agree on the potential impact of this missense change (SIFT: "Deleterious"; PolyPhen-2: "Benign"; Align-GVGD: "Class C0"). In summary, the available evidence is currently insufficient to determine the role of this variant in disease. Therefore, it has been classified as a Variant of Uncertain Significance.

Eurofins Ntd Llc (ga)
Classification: Uncertain significance. Last evaluated: 2018-07-06. Review status: criteria provided, single submitter. Criteria: EGL ClinVar v180209 classification definitions. Collection method: clinical testing. Allele origin: germline. Observed: 1 variant allele, 1 heterozygote.

Breakthrough Genomics
Classification: Uncertain significance. Review status: criteria provided, single submitter. Criteria: ACMG Guidelines, 2015. Collection method: not provided. Allele origin: germline. Inheritance: Autosomal recessive inheritance. Affected: yes.